The following is an entry in ClinVar:

NM_001354604.2(MITF):c.836_837del (p.Asn279fs)

Gene: MITF (melanocyte inducing transcription factor; plus strand). Cytogenetic location: 3p13.
Variant type: Deletion.
Coding change: c.836_837del on transcript NM_001354604.2 (MANE Select); coding-DNA positions 836 to 837, 2 bases deleted (AC; older notation c.836_837delAC).
Protein change: p.Asn279fs; shifts the reading frame from asparagine 279.
Molecular consequence: frameshift variant.
Genome position (GRCh38, 1-based): chr3:69,949,124-69,949,125, AC deleted. VCF-style (leftmost placement, unchanged base first): chr3-69949123-AAC-A. GRCh37 (hg19) VCF-style: chr3-69998274-AAC-A.
Other names: c.515_516del, p.Asn172fs (NM_000248.4, NM_198158.3); c.680_681del, p.Asn227fs (NM_001184967.2, NM_001354608.2); c.833_834del, p.Asn278fs (NM_001354605.2, NM_001354606.2, NM_006722.3); c.785_786del, p.Asn262fs (NM_001354607.2); c.836_837del, p.Asn279fs (NM_198159.3); c.788_789del, p.Asn263fs (NM_198177.3); c.347_348del, p.Asn116fs (NM_198178.3); short protein forms N116fs, N172fs, N227fs, N262fs, N263fs, N278fs, N279fs.
Identifiers: ClinVar variation 3350349 (VCV003350349.1).

ClinVar aggregate classification (germline): Likely pathogenic (0 of 4 stars; one submission).

Conditions:
MITF-related disorder. Also called: MITF-related condition.

Submission:

PreventionGenetics, part of Exact Sciences
Classification: Likely pathogenic for MITF-related condition. Last evaluated: 2024-03-05. Review status: no assertion criteria provided. Collection method: clinical testing. Allele origin: germline.
Comment: The MITF c.515_516delAC variant is predicted to result in a frameshift and premature protein termination (p.Asn172Ilefs*23). To our knowledge, this variant has not been reported in the literature or in a large population database, indicating this variant is rare. Frameshift variants in MITF are expected to be pathogenic. This variant is interpreted as likely pathogenic.